The following is an entry in ClinVar:

NM_170606.3(KMT2C):c.13769G>A (p.Arg4590His)

Gene: KMT2C (lysine methyltransferase 2C; minus strand). Cytogenetic location: 7q36.1.
Variant type: single nucleotide variant.
Coding change: c.13769G>A on transcript NM_170606.3 (MANE Select); coding-DNA position 13769, G replaced by A.
Protein change: p.Arg4590His; replaces arginine 4590 with histidine.
Molecular consequence: missense variant.
Genome position (GRCh38, 1-based): chr7:152,148,158, C>T on the plus strand (G>A on the coding strand, the complement: KMT2C is on the minus strand). VCF-style: chr7-152148158-C-T. GRCh37 (hg19) VCF-style: chr7-151845243-C-T.
Other names: short protein forms R4590H.
Identifiers: ClinVar variation 2076595 (VCV002076595.4), dbSNP rs1323051494, ClinGen allele CA370089513.

ClinVar aggregate classification (germline): Uncertain significance (1 of 4 stars; one submission).

Allele frequency attached by ClinVar (database versions not stated): gnomAD 0.00001; gnomAD exomes 0.00001; TOPMed 0.00001.
gnomAD v4.1: 16 of 1,614,014 alleles (0.00099%); highest among the groups gnomAD compares: Non-Finnish European, 0.0012%; no homozygotes.

Submission:

Labcorp Genetics (formerly Invitae), Labcorp
Classification: Uncertain significance. Last evaluated: 2023-07-10. Review status: criteria provided, single submitter. Criteria: Invitae Variant Classification Sherloc (09022015). Collection method: clinical testing. Allele origin: germline.
Comment: This sequence change replaces arginine, which is basic and polar, with histidine, which is basic and polar, at codon 4590 of the KMT2C protein (p.Arg4590His). This variant is present in population databases (no rsID available, gnomAD 0.007%). This variant has not been reported in the literature in individuals affected with KMT2C-related conditions. ClinVar contains an entry for this variant (Variation ID: 2076595). An algorithm developed to predict the effect of missense changes on protein structure and function (PolyPhen-2) suggests that this variant is likely to be disruptive. In summary, the available evidence is currently insufficient to determine the role of this variant in disease. Therefore, it has been classified as a Variant of Uncertain Significance.